The following is an entry in ClinVar:

ClinVar aggregate classification (germline): Uncertain significance (1 of 4 stars; one submission).

Allele frequency attached by ClinVar (database versions not stated): ExAC 0.00001; gnomAD 0.00001.
gnomAD v4.1: 7 of 1,613,868 alleles (0.00043%); highest among the groups gnomAD compares: African/African-American, 0.0013%; no homozygotes.

Submission:

GeneDx
Classification: Uncertain significance. Last evaluated: 2024-04-29. Review status: criteria provided, single submitter. Criteria: GeneDx Variant Classification Process June 2021. Collection method: clinical testing. Allele origin: germline. Affected: yes.
Comment: In silico analysis supports that this missense variant has a deleterious effect on protein structure/function; Has not been previously published as pathogenic or benign to our knowledge

NM_002427.4(MMP13):c.67C>T (p.Pro23Ser)

Genes: MMP13 (matrix metallopeptidase 13; minus strand), LOC126861318 (BRD4-independent group 4 enhancer GRCh37_chr11:102825894-102827093; plus strand). Cytogenetic location: 11q22.2.
Variant type: single nucleotide variant.
Coding change: c.67C>T on transcript NM_002427.4 (MANE Select); coding-DNA position 67, C replaced by T.
Protein change: p.Pro23Ser; replaces proline 23 with serine.
Molecular consequence: missense variant.
Genome position (GRCh38, 1-based): chr11:102,955,639, G>A on the plus strand (C>T on the coding strand, the complement: MMP13 is on the minus strand). VCF-style: chr11-102955639-G-A. GRCh37 (hg19) VCF-style: chr11-102826368-G-A.
Other names: short protein forms P23S.
Identifiers: ClinVar variation 3253169 (VCV003253169.1), dbSNP rs754580422.